The following is an entry in ClinVar:

NM_206933.4(USH2A):c.3089C>G (p.Ser1030Ter)

Genes: USH2A (usherin; minus strand), USH2A-AS1 (USH2A antisense RNA 1; plus strand). Cytogenetic location: 1q41.
Variant type: single nucleotide variant.
Coding change: c.3089C>G on transcript NM_206933.4 (MANE Select); coding-DNA position 3089, C replaced by G.
Protein change: p.Ser1030Ter; replaces serine 1030 with a stop codon.
Molecular consequence: nonsense.
Genome position (GRCh38, 1-based): chr1:216,217,455, G>C on the plus strand (C>G on the coding strand, the complement: USH2A is on the minus strand). VCF-style: chr1-216217455-G-C. GRCh37 (hg19) VCF-style: chr1-216390797-G-C.
Other names: c.3089C>G, p.Ser1030Ter (NM_007123.6); short protein forms S1030*.
Identifiers: ClinVar variation 5006001 (VCV005006001.2).
Genomic context (GRCh38, chr1:216,217,455, plus strand): 5'-CAACCCAATAGATTGTTGACATCCAAGTGGCTTGCACTGGGAACACAAGCATCACACTTT[G>C]AGCCAGTGACAAATTGTTTACAGAAACACTGGCCTGTGACCAAGTGACAGGTTTCATTCA-3'

ClinVar aggregate classification (germline): Likely pathogenic (1 of 4 stars; one submission).

Conditions:
Retinitis pigmentosa 39 (RP39). Identifiers: Orphanet 791, MedGen C3151138, MONDO:0013436, OMIM 613809.
Usher syndrome type 2A. Also called: USHER SYNDROME, TYPE IIA; RETINAL DISEASE IN USHER SYNDROME TYPE IIA, MODIFIER OF. Identifiers: Orphanet 231178, Orphanet 886, MedGen C1848634, MONDO:0010169, OMIM 276901.

Submission:

Juno Genomics, Hangzhou Juno Genomics, Inc
Classification: Likely pathogenic for Retinitis pigmentosa 39; Usher syndrome type 2A. Review status: criteria provided, single submitter. Criteria: ACMG Guidelines, 2015. Collection method: clinical testing. Allele origin: germline.
Comment: Null variant in a gene where loss of function (LOF) is a known mechanism of disease.;Absent from controls (or at extremely low frequency if recessive) in Genome Aggregation Database.